The following is an entry in ClinVar:

NM_000037.4(ANK1):c.328-9G>A

Gene: ANK1 (ankyrin 1; minus strand). Cytogenetic location: 8p11.21.
Variant type: single nucleotide variant.
Coding change: c.328-9G>A on transcript NM_000037.4 (MANE Select); 9 bases into the intron before coding-DNA position 328, G replaced by A.
Molecular consequence: intron variant.
Genome position (GRCh38, 1-based): chr8:41,727,357, C>T on the plus strand (G>A on the coding strand, the complement: ANK1 is on the minus strand). VCF-style: chr8-41727357-C-T. GRCh37 (hg19) VCF-style: chr8-41584875-C-T.
Other names: p.?; c.427-9G>A (NM_001142446.2); c.328-9G>A (NM_020477.3, NM_020475.3, NM_020476.3).
Identifiers: ClinVar variation 3379818 (VCV003379818.1).

ClinVar aggregate classification (germline): Uncertain significance (1 of 4 stars; one submission).

Submission:

Mayo Clinic Laboratories, Mayo Clinic
Classification: Uncertain significance. Last evaluated: 2024-02-16. Review status: criteria provided, single submitter. Criteria: ACMG Guidelines, 2015. Collection method: clinical testing. Allele origin: germline. Observed: 1 variant allele.
Comment: PP3, PM2_moderate